The following is an entry in ClinVar:

NM_000717.5(CA4):c.58+10C>G

Gene: CA4 (carbonic anhydrase 4; plus strand). Cytogenetic location: 17q23.1.
Variant type: single nucleotide variant.
Coding change: c.58+10C>G on transcript NM_000717.5 (MANE Select); 10 bases into the intron after coding-DNA position 58, C replaced by G.
Molecular consequence: intron variant.
Genome position (GRCh38, 1-based): chr17:60,150,102, C>G. VCF-style: chr17-60150102-C-G. GRCh37 (hg19) VCF-style: chr17-58227463-C-G.
Identifiers: ClinVar variation 736549 (VCV000736549.16), dbSNP rs756230727, ClinGen allele CA8685181.

ClinVar aggregate classification (germline): Conflicting classifications of pathogenicity. Review status: criteria provided, conflicting classifications (1 of 4 stars). 4 submissions from 4 submitters: Uncertain significance (1); Likely benign (2). 1 of the submissions does not count toward it. Last evaluated 2025-12-03.

Conditions:
CA4-related disorder. Also called: CA4-related condition.
Retinitis pigmentosa (RP). Identifiers: Orphanet 791, MedGen C0035334, MeSH D012174, MONDO:0019200, OMIM 268000. Inheritance: Autosomal dominant, autosomal recessive and X linked inheritance.

Allele frequency attached by ClinVar (database versions not stated): gnomAD exomes 0.00015 and 0.00044; ExAC 0.00016; gnomAD 0.00025; TOPMed 0.00038.
gnomAD v4.1: 704 of 1,593,438 alleles (0.044%); highest among the groups gnomAD compares: Non-Finnish European, 0.055%; 2 homozygotes.

Submissions (4):

Labcorp Genetics (formerly Invitae), Labcorp
Classification: Likely benign. Last evaluated: 2025-12-03. Review status: criteria provided, single submitter. Criteria: Invitae Variant Classification Sherloc (09022015). Collection method: clinical testing. Allele origin: germline.

Blueprint Genetics
Classification: Likely benign. Last evaluated: 2024-04-12. Review status: criteria provided, single submitter. Criteria: ACMG Guidelines, 2015. Collection method: clinical testing. Allele origin: germline.

Illumina Laboratory Services, Illumina
Classification: Uncertain significance for Retinitis pigmentosa. Last evaluated: 2018-01-13. Review status: criteria provided, single submitter. Criteria: ICSL Variant Classification Criteria 13 December 2019. Collection method: clinical testing. Allele origin: germline.

PreventionGenetics, part of Exact Sciences
Classification: Likely benign for CA4-related condition. Last evaluated: 2019-09-11. Review status: no assertion criteria provided. Collection method: clinical testing. Allele origin: germline. Not counted in ClinVar's aggregate classification.
Comment: This variant is classified as likely benign based on ACMG/AMP sequence variant interpretation guidelines (Richards et al. 2015 PMID: 25741868, with internal and published modifications).